The following is an entry in ClinVar:

NM_138959.3(VANGL1):c.1050T>C (p.His350=)

Gene: VANGL1 (VANGL planar cell polarity protein 1; plus strand). Cytogenetic location: 1p13.1.
Variant type: single nucleotide variant.
Coding change: c.1050T>C on transcript NM_138959.3 (MANE Select); coding-DNA position 1050, T replaced by C.
Protein change: p.His350=; no amino-acid change (histidine 350 retained).
Molecular consequence: synonymous variant.
Genome position (GRCh38, 1-based): chr1:115,684,047, T>C. VCF-style: chr1-115684047-T-C. GRCh37 (hg19) VCF-style: chr1-116226668-T-C.
Other names: c.1044T>C, p.His348= (NM_001172411.2); c.1050T>C, p.His350= (NM_001172412.2).
Identifiers: ClinVar variation 873611 (VCV000873611.4), dbSNP rs147220426, ClinGen allele CA1023420.
Genomic context (GRCh38, chr1:115,684,047, plus strand): 5'-TGCAGCTGCTCGGCGCAGGGACTCAAGCCACAACGAGTTGTATTATGAAGAGGCCGAACA[T>C]GAACGGCGAGTAAAGAAGCGGAAAGCAAGGTATACTGCCCTCCTGATGCCAGTACCCTCT-3'
Protein context (NP_620409.1, residues 340-360): HNELYYEEAE[His350=]ERRVKKRKAR

ClinVar aggregate classification (germline): Conflicting classifications of pathogenicity. Review status: criteria provided, conflicting classifications (1 of 4 stars). 2 submissions from 1 submitter: Uncertain significance (1); Benign (1). Last evaluated 2017-04-27.

Conditions:
Sacral defect with anterior meningocele. Identifiers: MedGen C1838568, OMIM 600145.
Neural tube defect (NTD). Also called: Neural tube defects. Identifiers: Orphanet 3388, Orphanet 823, MedGen C0027794, MONDO:0018075, HP:0045005.

Allele frequency attached by ClinVar (database versions not stated): 1000 Genomes Project 30x 0.00031; 1000 Genomes Project 0.00040; gnomAD 0.00054 and 0.00065; gnomAD exomes 0.00054 and 0.00072; ExAC 0.00059; TOPMed 0.00070; ESP Exome Variant Server 0.00108.
gnomAD v4.1: 1,140 of 1,614,052 alleles (0.071%); highest among the groups gnomAD compares: Non-Finnish European, 0.087%; 3 homozygotes.

Submissions (2):

Illumina Laboratory Services, Illumina
Classification: Uncertain significance for Neural tube defects, susceptibility to. Last evaluated: 2017-04-27. Review status: criteria provided, single submitter. Criteria: ICSL Variant Classification Criteria 13 December 2019. Collection method: clinical testing. Allele origin: germline.
Comment: This variant was observed as part of a predisposition screen in an ostensibly healthy population. A literature search was performed for the gene, cDNA change, and amino acid change (where applicable). Publications were found based on this search. However, the evidence from the literature, in combination with allele frequency data from public databases where available, was not sufficient to rule this variant in or out of causing disease. Therefore, this variant is classified as a variant of unknown significance.

Illumina Laboratory Services, Illumina
Classification: Benign for Sacral defect with anterior meningocele. Last evaluated: 2017-04-27. Review status: criteria provided, single submitter. Criteria: ICSL Variant Classification Criteria 13 December 2019. Collection method: clinical testing. Allele origin: germline.
Comment: This variant was observed as part of a predisposition screen in an ostensibly healthy population. A literature search was performed for the gene, cDNA change, and amino acid change (where applicable). No publications were found based on this search. Allele frequency data from public databases was too high to be consistent with this variant causing disease. Therefore, this variant is classified as benign.

Literature cited by the submitters: PubMed 25208524; PubMed 19319979.